The following is an entry in ClinVar:

ClinVar aggregate classification (germline): Pathogenic (1 of 4 stars; one submission).

Conditions:
Dyskeratosis congenita, autosomal recessive 5 (DKCB5). Identifiers: MedGen C3554656, MONDO:0014076, OMIM 615190.
Pulmonary fibrosis and/or bone marrow failure, Telomere-related, 3. Also called: PULMONARY FIBROSIS AND/OR BONE MARROW FAILURE SYNDROME, TELOMERE-RELATED, 3. Identifiers: Orphanet 2032, MedGen C4225346, MONDO:0014613, OMIM 616373.

Submission:

Labcorp Genetics (formerly Invitae), Labcorp
Classification: Pathogenic for Dyskeratosis congenita, autosomal recessive 5; Pulmonary fibrosis and/or bone marrow failure, Telomere-related, 3. Last evaluated: 2022-06-25. Review status: criteria provided, single submitter. Criteria: Invitae Variant Classification Sherloc (09022015). Collection method: clinical testing. Allele origin: germline.
Comment: For these reasons, this variant has been classified as Pathogenic. Algorithms developed to predict the effect of sequence changes on RNA splicing suggest that this variant may create or strengthen a splice site. This variant has not been reported in the literature in individuals affected with RTEL1-related conditions. This variant is not present in population databases (gnomAD no frequency). This sequence change creates a premature translational stop signal (p.Trp682*) in the RTEL1 gene. It is expected to result in an absent or disrupted protein product. Loss-of-function variants in RTEL1 are known to be pathogenic (PMID: 23453664, 23959892, 25607374).

Literature cited by the submitters: PubMed 23453664; PubMed 23959892; PubMed 25607374.

NM_001283009.2(RTEL1):c.2045G>A (p.Trp682Ter)

Genes: RTEL1 (regulator of telomere elongation helicase 1; plus strand), RTEL1-TNFRSF6B (RTEL1-TNFRSF6B readthrough (NMD candidate); plus strand). Cytogenetic location: 20q13.33.
Variant type: single nucleotide variant.
Coding change: c.2045G>A on transcript NM_001283009.2 (MANE Select); coding-DNA position 2045, G replaced by A.
Protein change: p.Trp682Ter; replaces tryptophan 682 with a stop codon.
Molecular consequence: nonsense. On other transcripts: non-coding transcript variant (1).
Genome position (GRCh38, 1-based): chr20:63,689,769, G>A. VCF-style: chr20-63689769-G-A. GRCh37 (hg19) VCF-style: chr20-62321122-G-A.
Other names: c.1376G>A, p.Trp459Ter (NM_001283010.1); c.2045G>A, p.Trp682Ter (NM_016434.4); c.2117G>A, p.Trp706Ter (NM_032957.5); short protein forms W706*, W459*, W682*.
Identifiers: ClinVar variation 2008170 (VCV002008170.4), dbSNP rs2517134736, ClinGen allele CA409679028.